The following is an entry in ClinVar:

ClinVar aggregate classification (germline): Conflicting classifications of pathogenicity. Review status: criteria provided, conflicting classifications (1 of 4 stars). 2 submissions from 2 submitters: Uncertain significance (1); Likely benign (1). Last evaluated 2025-01-05.

Conditions:
Dilated cardiomyopathy 1G (CMD1G). Identifiers: Orphanet 154, MedGen C1858763, MONDO:0011400, OMIM 604145.
Autosomal recessive limb-girdle muscular dystrophy type 2J (LGMDR10). Also called: MUSCULAR DYSTROPHY, LIMB-GIRDLE, AUTOSOMAL RECESSIVE 10; Limb-girdle muscular dystrophy, type 2J. Identifiers: Orphanet 140922, MedGen C1837342, MONDO:0012127, OMIM 608807.
Cardiomyopathy (CMYO). Also called: Cardiomyopathies. Identifiers: Orphanet 167848, MedGen C0878544, MONDO:0004994, HP:0001638. Inheritance: Various modes of inheritance.

Allele frequency attached by ClinVar (database versions not stated): gnomAD below 0.00001 and 0.00003; TOPMed below 0.00001; gnomAD exomes 0.00006 and 0.00009; ExAC 0.00012.
gnomAD v4.1: 83 of 1,561,076 alleles (0.0053%); highest among the groups gnomAD compares: South Asian, 0.1%; 1 homozygote.

Submissions (2):

Labcorp Genetics (formerly Invitae), Labcorp
Classification: Uncertain significance for Dilated cardiomyopathy 1G; Autosomal recessive limb-girdle muscular dystrophy type 2J. Last evaluated: 2025-01-05. Review status: criteria provided, single submitter. Criteria: Invitae Variant Classification Sherloc (09022015). Collection method: clinical testing. Allele origin: germline.
Comment: This sequence change falls in intron 96 of the TTN gene. It does not directly change the encoded amino acid sequence of the TTN protein. It affects a nucleotide within the consensus splice site. This variant is present in population databases (rs750753011, gnomAD 0.08%). This variant has not been reported in the literature in individuals affected with TTN-related conditions. ClinVar contains an entry for this variant (Variation ID: 1025648). Variants that disrupt the consensus splice site are a relatively common cause of aberrant splicing (PMID: 17576681, 9536098). Algorithms developed to predict the effect of sequence changes on RNA splicing suggest that this variant is not likely to affect RNA splicing. This variant is located in the I band of TTN (PMID: 25589632). Non-truncating variants in this region may be clinically relevant, but have not been definitively shown to cause cardiomyopathy or neuromuscular disease (PMID: 27493940, 32778822). In summary, the available evidence is currently insufficient to determine the role of this variant in disease. Therefore, it has been classified as a Variant of Uncertain Significance.

CHEO Genetics Diagnostic Laboratory, Children's Hospital of Eastern Ontario
Classification: Likely benign for Cardiomyopathy. Last evaluated: 2020-05-28. Review status: criteria provided, single submitter. Criteria: ACMG Guidelines, 2015. Collection method: clinical testing. Allele origin: germline.

Literature cited by the submitters: PubMed 17576681 (cited by Labcorp Genetics (formerly Invitae), Labcorp); PubMed 9536098 (cited by Labcorp Genetics (formerly Invitae), Labcorp); PubMed 25589632 (cited by Labcorp Genetics (formerly Invitae), Labcorp); PubMed 27493940 (cited by Labcorp Genetics (formerly Invitae), Labcorp); PubMed 32778822 (cited by Labcorp Genetics (formerly Invitae), Labcorp).

NM_001267550.2(TTN):c.27886+3G>A

Gene: TTN (titin; minus strand). Cytogenetic location: 2q31.2.
Variant type: single nucleotide variant.
Coding change: c.27886+3G>A on transcript NM_001267550.2 (MANE Select); 3 bases into the intron after coding-DNA position 27886, G replaced by A.
Molecular consequence: intron variant.
Genome position (GRCh38, 1-based): chr2:178,711,941, C>T on the plus strand (G>A on the coding strand, the complement: TTN is on the minus strand). VCF-style: chr2-178711941-C-T. GRCh37 (hg19) VCF-style: chr2-179576668-C-T.
Other names: c.13282+26141G>A (NM_003319.4); c.13858+26141G>A (NM_133437.4); c.13657+26141G>A (NM_133432.3); c.24154+3G>A (NM_133378.4); c.26935+3G>A (NM_001256850.1).
Identifiers: ClinVar variation 1025648 (VCV001025648.9), dbSNP rs750753011, ClinGen allele CA1999707.